The following is an entry in ClinVar:

ClinVar aggregate classification (germline): Benign. Review status: criteria provided, multiple submitters, no conflicts (2 of 4 stars). 2 submissions from 2 submitters: Benign (2). Last evaluated 2018-01-13.

Conditions:
Early Myoclonic Encephalopathy. Identifiers: MedGen C0270855.

Allele frequency attached by ClinVar (database versions not stated): gnomAD exomes 0.00418 and 0.00171; gnomAD 0.00004 and 0.00089; 1000 Genomes Project 0.00579; TOPMed 0.00017; ExAC 0.00862.
gnomAD v4.1: 2,569 of 1,581,336 alleles (0.16%); highest among the groups gnomAD compares: South Asian, 2.8%; 33 homozygotes.

Submissions (2):

Illumina Laboratory Services, Illumina
Classification: Benign for Developmental and epileptic encephalopathy, 3. Last evaluated: 2018-01-13. Review status: criteria provided, single submitter. Criteria: ICSL Variant Classification Criteria 13 December 2019. Collection method: clinical testing. Allele origin: germline.
Comment: This variant was observed in the ICSL laboratory as part of a predisposition screen in an ostensibly healthy population. It had not been previously curated by ICSL or reported in the Human Gene Mutation Database (HGMD: prior to June 1st, 2018), and was therefore a candidate for classification through an automated scoring system. Utilizing variant allele frequency, disease prevalence and penetrance estimates, and inheritance mode, an automated score was calculated to assess if this variant is too frequent to cause the disease. Based on the score and internal cut-off values, a variant classified as benign is not then subjected to further curation. The score for this variant resulted in a classification of benign for this disease.

GeneDx
Classification: Benign. Last evaluated: 2013-10-17. Review status: criteria provided, single submitter. Criteria: GeneDx Variant Classification (06012015). Collection method: clinical testing. Allele origin: germline. Affected: yes.
Comment: This variant is considered likely benign or benign based on one or more of the following criteria: it is a conservative change, it occurs at a poorly conserved position in the protein, it is predicted to be benign by multiple in silico algorithms, and/or has population frequency not consistent with disease.

NM_001191061.2(SLC25A22):c.*17A>C

Gene: SLC25A22 (solute carrier family 25 member 22; minus strand). Cytogenetic location: 11p15.5.
Variant type: single nucleotide variant.
Coding change: c.*17A>C on transcript NM_001191061.2 (MANE Select); 17 bases downstream of the stop codon, A replaced by C.
Molecular consequence: 3 prime UTR variant.
Genome position (GRCh38, 1-based): chr11:791,898, T>G on the plus strand (A>C on the coding strand, the complement: SLC25A22 is on the minus strand). VCF-style: chr11-791898-T-G. GRCh37 (hg19) VCF-style: chr11-791898-T-G.
Other names: c.*17A>C (NM_001191060.2, NM_024698.6).
Identifiers: ClinVar variation 139147 (VCV000139147.6), dbSNP rs554507285, ClinGen allele CA293530.